The following is an entry in ClinVar:

ClinVar aggregate classification (germline): Uncertain significance (1 of 4 stars; one submission).

Allele frequency attached by ClinVar (database versions not stated): gnomAD exomes below 0.00001.
gnomAD v4.1: 1 of 1,614,126 alleles (0.000062%); highest among the groups gnomAD compares: East Asian, 0.0022%; no homozygotes.

Submission:

Labcorp Genetics (formerly Invitae), Labcorp
Classification: Uncertain significance. Last evaluated: 2023-10-13. Review status: criteria provided, single submitter. Criteria: Invitae Variant Classification Sherloc (09022015). Collection method: clinical testing. Allele origin: germline.
Comment: This sequence change replaces glutamic acid, which is acidic and polar, with aspartic acid, which is acidic and polar, at codon 873 of the MTTP protein (p.Glu873Asp). This variant is not present in population databases (gnomAD no frequency). This variant has not been reported in the literature in individuals affected with MTTP-related conditions. ClinVar contains an entry for this variant (Variation ID: 2009175). Advanced modeling of protein sequence and biophysical properties (such as structural, functional, and spatial information, amino acid conservation, physicochemical variation, residue mobility, and thermodynamic stability) performed at Invitae indicates that this missense variant is not expected to disrupt MTTP protein function. In summary, the available evidence is currently insufficient to determine the role of this variant in disease. Therefore, it has been classified as a Variant of Uncertain Significance.

NM_001386140.1(MTTP):c.2619G>C (p.Glu873Asp)

Gene: MTTP (microsomal triglyceride transfer protein; plus strand). Cytogenetic location: 4q23.
Variant type: single nucleotide variant.
Coding change: c.2619G>C on transcript NM_001386140.1 (MANE Select); coding-DNA position 2619, G replaced by C.
Protein change: p.Glu873Asp; replaces glutamic acid 873 with aspartic acid.
Molecular consequence: missense variant.
Genome position (GRCh38, 1-based): chr4:99,622,782, G>C. VCF-style: chr4-99622782-G-C. GRCh37 (hg19) VCF-style: chr4-100543939-G-C.
Other names: c.2619G>C, p.Glu873Asp (NM_000253.4); c.2370G>C, p.Glu790Asp (NM_001300785.2); short protein forms E873D, E790D.
Identifiers: ClinVar variation 2009175 (VCV002009175.4), dbSNP rs1726271729, ClinGen allele CA357520522.